The following is an entry in ClinVar:

ClinVar aggregate classification (germline): Pathogenic (1 of 4 stars; one submission).

Conditions:
Congenital stationary night blindness 1C. Also called: Night blindness, congenital stationary (complete), 1C, autosomal recessive. Identifiers: Orphanet 215, MedGen C2750747, MONDO:0013183, OMIM 613216.

gnomAD v4.1: 6 of 1,613,814 alleles (0.00037%); highest among the groups gnomAD compares: South Asian, 0.0066%; no homozygotes.

Submission:

SN ONGC Dept of Genetics and Molecular biology Vision Research Foundation
Classification: Pathogenic for Congenital stationary night blindness 1C. Last evaluated: 2024-10-21. Review status: criteria provided, single submitter. Criteria: ACMG Guidelines, 2015. Collection method: research. Allele origin: biparental. Inheritance: Autosomal recessive inheritance. Affected: yes. Observed: 1 compound heterozygote.
Comment: The p.(Y808*) variant in TRPM1 has been identified in an Indian study in an compound heterozygous state along with reported variant p.(Y111C)exhibiting an autosomal recessive inheritance pattern. The variant was found to segregate with the disease in both parents. Notably, it was absent in 100 screened control individuals.

NM_001252024.2(TRPM1):c.2373T>A (p.Tyr791Ter)

Gene: TRPM1 (transient receptor potential cation channel subfamily M member 1; minus strand). Cytogenetic location: 15q13.3.
Variant type: single nucleotide variant.
Coding change: c.2373T>A on transcript NM_001252024.2 (MANE Select); coding-DNA position 2373, T replaced by A.
Protein change: p.Tyr791Ter; replaces tyrosine 791 with a stop codon.
Molecular consequence: nonsense.
Genome position (GRCh38, 1-based): chr15:31,038,110, A>T on the plus strand (T>A on the coding strand, the complement: TRPM1 is on the minus strand). VCF-style: chr15-31038110-A-T. GRCh37 (hg19) VCF-style: chr15-31330313-A-T.
Other names: c.2424T>A, p.Tyr808Ter (NM_001252020.2); c.2307T>A, p.Tyr769Ter (NM_002420.6); short protein forms Y769*, Y791*, Y808*.
Identifiers: ClinVar variation 3363168 (VCV003363168.2).